The following is an entry in ClinVar:

NM_014244.5(ADAMTS2):c.86_87insAG (p.Pro30fs)

Gene: ADAMTS2 (ADAM metallopeptidase with thrombospondin type 1 motif 2; minus strand). Cytogenetic location: 5q35.3.
Variant type: Insertion.
Coding change: c.86_87insAG on transcript NM_014244.5 (MANE Select); coding-DNA positions 86 to 87, AG inserted.
Protein change: p.Pro30fs; shifts the reading frame from proline 30.
Molecular consequence: frameshift variant.
Genome position: GRCh38 VCF-style: chr5-179345242-C-CCT. GRCh37 (hg19) VCF-style: chr5-178772243-C-CCT.
Other names: c.86_87insAG, p.Pro30fs (NM_021599.4); short protein forms P30fs.
Identifiers: ClinVar variation 5016336 (VCV005016336.1).

ClinVar aggregate classification (germline): Pathogenic (1 of 4 stars; one submission).

Conditions:
Ehlers-Danlos syndrome, dermatosparaxis type. Also called: EDS VIIC; Dermatosparaxis; Ehlers-Danlos syndrome, type VII, autosomal recessive. Identifiers: Orphanet 1901, MedGen C2700425, MONDO:0009161, OMIM 225410.

Submission:

Myriad Genetics, Inc.
Classification: Pathogenic for Ehlers-Danlos syndrome, dermatosparaxis type. Last evaluated: 2024-05-14. Review status: criteria provided, single submitter. Criteria: Myriad Autosomal Dominant, Autosomal Recessive and X-Linked Classification Criteria (2023). Collection method: clinical testing. Allele origin: unknown.
Comment: NM_014244.4(ADAMTS2):c.86_87insAG(P30Gfs*136) is expected to be pathogenic in the context of Ehlers-Danlos syndrome, ADAMTS2-related. This variant is predicted to lead to an abnormal or absent protein product due to the creation of a premature termination codon in ADAMTS2, a gene where loss-of-function variants are known to be pathogenic. Please note: this variant was assessed in the context of healthy population screening.